The following is an entry in ClinVar:

NM_000093.5(COL5A1):c.67CTG[7] (p.Leu28dup)

Gene: COL5A1 (collagen type V alpha 1 chain; plus strand). Cytogenetic location: 9q34.3.
Variant type: Microsatellite.
Coding change: c.67CTG[7] on transcript NM_000093.5 (MANE Select); seven copies in a row of the 3-base unit CTG starting at c.67; the reference has six copies in a row; one copy, 3 bases duplicated; also written c.82_84dup.
Protein change: p.Leu28dup; duplicates leucine 28.
Molecular consequence: inframe insertion.
Genome position (GRCh38, 1-based): chr9:134,642,269-134,642,271, CTG duplicated; duplicating any 3 consecutive bases within chr9:134,642,253-134,642,271 gives the same sequence; the position shown is the placement nearest the transcript's 3' end. VCF-style (leftmost placement, unchanged base first): chr9-134642252-C-CGCT. GRCh37 (hg19) VCF-style: chr9-137534098-C-CGCT.
Other names: p.Leu28dup; c.82_84dupCTG (NM_000093.4, NM_000093.5, NM_000093.3); c.82_84dup (NM_000093.5); c.67CTG[7], p.Leu28dup (NM_001278074.1).
Identifiers: ClinVar variation 285805 (VCV000285805.31), dbSNP rs773994971, ClinGen allele CA10605256.

ClinVar aggregate classification (germline): Conflicting classifications of pathogenicity. Review status: criteria provided, conflicting classifications (1 of 4 stars). 8 submissions from 8 submitters: Uncertain significance (4); Likely benign (4). Last evaluated 2026-05-05.

Conditions:
Ehlers-Danlos syndrome (EDS). Identifiers: Orphanet 98249, MedGen C0013720, MONDO:0020066.
Ehlers-Danlos syndrome, classic type, 1 (EDSCL1). Also called: EHLERS-DANLOS SYNDROME, GRAVIS TYPE; EHLERS-DANLOS SYNDROME, SEVERE CLASSIC TYPE; Ehlers-Danlos Syndrome, Classic Type, COL5A1-Related; EDS I; Ehlers-Danlos syndrome, type 1. Identifiers: MedGen C0268335, MONDO:0019567, OMIM 130000.
Familial thoracic aortic aneurysm and aortic dissection (TAAD). Also called: Thoracic aortic aneurysms and dissections. Identifiers: Orphanet 91387, MedGen C4707243, MONDO:0019625.

Submissions (8):

Women's Health and Genetics/Laboratory Corporation of America, LabCorp
Classification: Likely benign. Last evaluated: 2026-05-05. Review status: criteria provided, single submitter. Criteria: LabCorp Variant Classification Summary - May 2015. Collection method: clinical testing. Allele origin: germline.
Comment: Variant summary: COL5A1 c.82_84dupCTG (p.Leu28dup) results in an in-frame duplication that is predicted to duplicate 1 amino acids into the encoded protein. The variant allele was found at a frequency of 4.3e-05 in 1265974 control chromosomes in the gnomAD database. The observed variant frequency exceeds the estimated maximal expected allele frequency for disease-causing variants in COL5A1. To our knowledge, no occurrence of c.82_84dupCTG in individuals affected with COL5A1-related conditions and no experimental evidence demonstrating its impact on protein function have been reported. ClinVar contains an entry for this variant (Variation ID: 285805). Based on the evidence outlined above, the variant was classified as likely benign.

Labcorp Genetics (formerly Invitae), Labcorp
Classification: Uncertain significance for Ehlers-Danlos syndrome, classic type, 1. Last evaluated: 2026-01-13. Review status: criteria provided, single submitter. Criteria: Invitae Variant Classification Sherloc (09022015). Collection method: clinical testing. Allele origin: germline.
Comment: This variant, c.82_84dup, results in the insertion of 1 amino acid(s) of the COL5A1 protein (p.Leu28dup), but otherwise preserves the integrity of the reading frame. This variant is present in population databases (no rsID available, gnomAD 0.04%). This variant has not been reported in the literature in individuals affected with COL5A1-related conditions. ClinVar contains an entry for this variant (Variation ID: 285805). Experimental studies and prediction algorithms are not available or were not evaluated, and the functional significance of this variant is currently unknown. In summary, the available evidence is currently insufficient to determine the role of this variant in disease. Therefore, it has been classified as a Variant of Uncertain Significance.

Ambry Genetics
Classification: Uncertain significance for Familial thoracic aortic aneurysm and aortic dissection. Last evaluated: 2025-07-10. Review status: criteria provided, single submitter. Criteria: Ambry Variant Classification Scheme 2023. Collection method: clinical testing. Allele origin: germline.
Comment: The c.82_84dupCTG variant (also known as p.L28dup), located in coding exon 1 of the COL5A1 gene, results from an in-frame duplication of CTG at nucleotide positions 82 to 84. This results in the duplication of an extra residue between codons 28 and 29. This amino acid position is well conserved in available vertebrate species. In addition, this alteration is predicted to be neutral by in silico analysis (Choi Y et al. PLoS ONE. 2012; 7(10):e46688). Based on the available evidence, the clinical significance of this variant remains unclear.

Mayo Clinic Laboratories, Mayo Clinic
Classification: Likely benign. Last evaluated: 2025-06-25. Review status: criteria provided, single submitter. Criteria: ACMG Guidelines, 2015. Collection method: clinical testing. Allele origin: germline. Observed: 5 variant alleles.
Comment: BS1, BP3

Blueprint Genetics
Classification: Likely benign. Last evaluated: 2023-01-18. Review status: criteria provided, single submitter. Criteria: ACMG Guidelines, 2015. Collection method: clinical testing. Allele origin: germline.

GeneDx
Classification: Likely benign. Last evaluated: 2020-07-29. Review status: criteria provided, single submitter. Criteria: GeneDx Variant Classification Process June 2021. Collection method: clinical testing. Allele origin: germline. Affected: yes.

Genome Diagnostics Laboratory, The Hospital for Sick Children
Classification: Uncertain significance for Ehlers-Danlos syndrome. Last evaluated: 2020-07-01. Review status: criteria provided, single submitter. Criteria: ACMG Guidelines, 2015. Collection method: clinical testing. Allele origin: germline.

Eurofins Ntd Llc (ga)
Classification: Uncertain significance. Last evaluated: 2016-02-08. Review status: criteria provided, single submitter. Criteria: EGL Classification Definitions. Collection method: clinical testing. Allele origin: germline. Observed: 1 variant allele, 1 heterozygote.